The following is an entry in ClinVar:

ClinVar aggregate classification (germline): Uncertain significance. Review status: criteria provided, multiple submitters, no conflicts (2 of 4 stars). 2 submissions from 2 submitters: Uncertain significance (2). Last evaluated 2025-08-21.

Conditions:
ARID1B-Related Disorder. Identifiers: MedGen CN381337.

Submissions (2):

GeneDx
Classification: Uncertain significance. Last evaluated: 2025-08-21. Review status: criteria provided, single submitter. Criteria: GeneDx Variant Classification Process June 2021. Collection method: clinical testing. Allele origin: germline.
Comment: In-frame duplication of 10 amino acids in a repetitive region with no known function; Not observed at significant frequency in large population cohorts (gnomAD); Has not been previously published as pathogenic or benign to our knowledge

PreventionGenetics, part of Exact Sciences
Classification: Uncertain significance for ARID1B-related condition. Last evaluated: 2022-11-17. Review status: criteria provided, single submitter. Criteria: ACMG Guidelines, 2015. Collection method: clinical testing. Allele origin: germline.
Comment: The ARID1B c.362_363insGCAGCAGCAGCAGCAGCAGCAGCAGCAGCA variant is predicted to result in an in-frame amino acid insertion (p.Gln122_Gln131dup). To our knowledge, this variant has not been reported in the literature or in a large population database, indicating this variant is rare. At this time, the clinical significance of this variant is uncertain due to the absence of conclusive functional and genetic evidence.

NM_001374828.1(ARID1B):c.591GCA[17] (p.Gln214_His215insGlnGlnGlnGlnGlnGlnGlnGlnGlnGln)

Genes: ARID1B (AT-rich interaction domain 1B; plus strand), LOC115308161 (uncharacterized LOC115308161; minus strand). Cytogenetic location: 6q25.3.
Variant type: Microsatellite.
Coding change: c.591GCA[17] on transcript NM_001374828.1 (MANE Select); 17 copies in a row of the 3-base unit GCA starting at c.591.
Protein change: p.Gln214_His215insGlnGlnGlnGlnGlnGlnGlnGlnGlnGln.
Molecular consequence: inframe insertion. On other transcripts: inframe indel (1), non-coding transcript variant (1).
Genome position: GRCh38 VCF-style: chr6-156778268-C-CCAGCAGCAGCAGCAGCAGCAGCAGCAGCAG. GRCh37 (hg19) VCF-style: chr6-157099402-C-CCAGCAGCAGCAGCAGCAGCAGCAGCAGCAG.
Other names: c.362_363insGCAGCAGCAGCAGCAGCAGCAGCAGCAGCA (NM_020732.3); c.591GCA[17], p.Gln214_His215insGlnGlnGlnGlnGlnGlnGlnGlnGlnGln (NM_001374820.1, NM_017519.3, NM_001371656.1).
Identifiers: ClinVar variation 2628888 (VCV002628888.3), dbSNP rs587779743, ClinGen allele CA1096260205.